The following is an entry in ClinVar:

NM_001291415.2(KDM6A):c.3917A>G (p.Glu1306Gly)

Gene: KDM6A (lysine demethylase 6A; plus strand). Cytogenetic location: Xp11.3.
Variant type: single nucleotide variant.
Coding change: c.3917A>G on transcript NM_001291415.2 (MANE Select); coding-DNA position 3917, A replaced by G.
Protein change: p.Glu1306Gly; replaces glutamic acid 1306 with glycine.
Molecular consequence: missense variant. On other transcripts: non-coding transcript variant (1).
Genome position (GRCh38, 1-based): chrX:45,090,747, A>G. VCF-style: chrX-45090747-A-G. GRCh37 (hg19) VCF-style: chrX-44949992-A-G.
Other names: p.Glu1254Gly; c.3782A>G, p.Glu1261Gly (NM_001291416.2, NM_001419811.1); c.3626A>G, p.Glu1209Gly (NM_001291417.2); c.3524A>G, p.Glu1175Gly (NM_001291418.2, NM_001419815.1); c.2873A>G, p.Glu958Gly (NM_001291421.2); c.3659A>G, p.Glu1220Gly (NM_001410742.1, NM_001419814.1); c.3917A>G, p.Glu1306Gly (NM_001419809.1); c.3815A>G, p.Glu1272Gly (NM_001419810.1, NM_001419813.1); and 1 more; short protein forms E1175G, E1209G, E1220G, E1254G, E1261G, E1272G, E1306G, E958G.
Identifiers: ClinVar variation 2683586 (VCV002683586.1), dbSNP rs2148203420, ClinGen allele CA412808064.
Genomic context (GRCh38, chrX:45,090,747, plus strand): 5'-TTTGGGTTGCTTTATAACTGTTTTTTTTTTTCCTAGCCTGCCAGTATAAATTGGCAGTGG[A>G]ACGGTACGAATGGAACAAATTGCAAAGTGTGAAGTCAATAGTACCCATGGTTCATCTTTC-3'
Protein context (NP_001278344.1, residues 1296-1316): LTACQYKLAV[Glu1306Gly]RYEWNKLQSV

ClinVar aggregate classification (germline): Uncertain significance (1 of 4 stars; one submission).

Submission:

Mayo Clinic Laboratories, Mayo Clinic
Classification: Uncertain significance. Last evaluated: 2023-02-16. Review status: criteria provided, single submitter. Criteria: ACMG Guidelines, 2015. Collection method: clinical testing. Allele origin: germline. Observed: 1 variant allele.
Comment: PP3, PM2